The following is an entry in ClinVar:

ClinVar aggregate classification (germline): Uncertain significance (1 of 4 stars; one submission).

Conditions:
Cardiovascular phenotype. Identifiers: MedGen CN230736.

Allele frequency attached by ClinVar (database versions not stated): gnomAD exomes 0.00001.
gnomAD v4.1: 5 of 1,568,410 alleles (0.00032%); highest among the groups gnomAD compares: Non-Finnish European, 0.00044%; no homozygotes.

Submission:

Ambry Genetics
Classification: Uncertain significance for Cardiovascular phenotype. Last evaluated: 2022-12-21. Review status: criteria provided, single submitter. Criteria: Ambry Variant Classification Scheme 2023. Collection method: clinical testing. Allele origin: germline.
Comment: The c.3318+4T>C intronic variant results from a T to C substitution 4 nucleotides after coding exon 8 in the AKAP9 gene. This nucleotide position is well conserved in available vertebrate species. In silico splice site analysis predicts that this alteration will not have any significant effect on splicing. The evidence for this gene-disease relationship is limited; therefore, the clinical significance of this alteration is unclear.

NM_005751.5(AKAP9):c.3318+4T>C

Gene: AKAP9 (A-kinase anchoring protein 9; plus strand). Cytogenetic location: 7q21.2.
Variant type: single nucleotide variant.
Coding change: c.3318+4T>C on transcript NM_005751.5 (MANE Select); 4 bases into the intron after coding-DNA position 3318, T replaced by C.
Molecular consequence: intron variant.
Genome position (GRCh38, 1-based): chr7:92,003,239, T>C. VCF-style: chr7-92003239-T-C. GRCh37 (hg19) VCF-style: chr7-91632553-T-C.
Other names: c.3318+4T>C (NM_147185.3).
Identifiers: ClinVar variation 2449745 (VCV002449745.2), dbSNP rs1290596598, ClinGen allele CA576705511.